The following is an entry in ClinVar:

ClinVar aggregate classification (germline): Uncertain significance. Review status: criteria provided, multiple submitters, no conflicts (2 of 4 stars). 2 submissions from 2 submitters: Uncertain significance (2). Last evaluated 2025-04-25.

Conditions:
Inborn genetic diseases. Identifiers: MedGen C0950123, MeSH D030342.
Curry-Hall syndrome (WAD). Also called: WEYERS ACRODENTAL DYSOSTOSIS. Identifiers: Orphanet 952, MedGen C0457013, MONDO:0008673, OMIM 193530.
Ellis-van Creveld syndrome (EVC). Also called: Chondroectodermal dysplasia; MESOECTODERMAL DYSPLASIA; EVC-Related Ellis-van Creveld Syndrome; EVC2-Related Ellis-van Creveld Syndrome. Identifiers: Orphanet 289, MedGen C0013903, MONDO:0009162, OMIM 225500.

Allele frequency attached by ClinVar (database versions not stated): gnomAD 0.00003; gnomAD exomes 0.00003; ExAC 0.00004; TOPMed 0.00004.
gnomAD v4.1: 55 of 1,612,096 alleles (0.0034%); highest among the groups gnomAD compares: Admixed American, 0.01%; no homozygotes.

Submissions (2):

Ambry Genetics
Classification: Uncertain significance for Inborn genetic diseases. Last evaluated: 2025-04-25. Review status: criteria provided, single submitter. Criteria: Ambry Variant Classification Scheme 2023. Collection method: clinical testing. Allele origin: germline.

Labcorp Genetics (formerly Invitae), Labcorp
Classification: Uncertain significance for Curry-Hall syndrome; Ellis-van Creveld syndrome. Last evaluated: 2022-02-25. Review status: criteria provided, single submitter. Criteria: Invitae Variant Classification Sherloc (09022015). Collection method: clinical testing. Allele origin: germline.
Comment: This sequence change replaces threonine, which is neutral and polar, with methionine, which is neutral and non-polar, at codon 423 of the EVC protein (p.Thr423Met). This variant is present in population databases (rs764108542, gnomAD 0.01%). This variant has not been reported in the literature in individuals affected with EVC-related conditions. Algorithms developed to predict the effect of missense changes on protein structure and function are either unavailable or do not agree on the potential impact of this missense change (SIFT: "Deleterious"; PolyPhen-2: "Probably Damaging"; Align-GVGD: "Class C0"). In summary, the available evidence is currently insufficient to determine the role of this variant in disease. Therefore, it has been classified as a Variant of Uncertain Significance.

NM_153717.3(EVC):c.1268C>T (p.Thr423Met)

Gene: EVC (EvC ciliary complex subunit 1; plus strand). Cytogenetic location: 4p16.2.
Variant type: single nucleotide variant.
Coding change: c.1268C>T on transcript NM_153717.3 (MANE Select); coding-DNA position 1268, C replaced by T.
Protein change: p.Thr423Met; replaces threonine 423 with methionine.
Molecular consequence: missense variant.
Genome position (GRCh38, 1-based): chr4:5,753,005, C>T. VCF-style: chr4-5753005-C-T. GRCh37 (hg19) VCF-style: chr4-5754732-C-T.
Other names: c.1268C>T, p.Thr423Met (NM_001306090.2, NM_001306092.2); c.1268C>T (NM_153717.2); short protein forms T423M.
Identifiers: ClinVar variation 2063703 (VCV002063703.2), dbSNP rs764108542, ClinGen allele CA2836044.